The following is an entry in ClinVar:

NM_002474.3(MYH11):c.5214C>T (p.Ile1738=)

Genes: NDE1 (nudE neurodevelopment protein 1; plus strand), MYH11 (myosin heavy chain 11; minus strand). Cytogenetic location: 16p13.11.
Variant type: single nucleotide variant.
Coding change: c.5214C>T on transcript NM_002474.3 (MANE Select); coding-DNA position 5214, C replaced by T.
Protein change: p.Ile1738=; no amino-acid change (isoleucine 1738 retained).
Molecular consequence: synonymous variant. On other transcripts: intron variant (2).
Genome position (GRCh38, 1-based): chr16:15,718,396, G>A on the plus strand (C>T on the coding strand, the complement: MYH11 is on the minus strand). VCF-style: chr16-15718396-G-A. GRCh37 (hg19) VCF-style: chr16-15812253-G-A.
Other names: c.5235C>T, p.Ile1745= (NM_001040113.2, NM_001040114.2); c.5214C>T, p.Ile1738= (NM_022844.3); c.948-5795G>A (NM_001143979.2, NM_017668.3).
Identifiers: ClinVar variation 513207 (VCV000513207.19), dbSNP rs1439627120, ClinGen allele CA493752889.

ClinVar aggregate classification (germline): Likely benign. Review status: criteria provided, multiple submitters, no conflicts (2 of 4 stars). 5 submissions from 5 submitters: Likely benign (5). Last evaluated 2025-08-19.

Conditions:
Aortic aneurysm, familial thoracic 4 (AAT4). Also called: AORTIC ANEURYSM/AORTIC DISSECTION AND PATENT DUCTUS ARTERIOSUS. Identifiers: MedGen C1851504, MONDO:0007568, OMIM 132900.
Familial thoracic aortic aneurysm and aortic dissection (TAAD). Also called: Thoracic aortic aneurysms and dissections. Identifiers: Orphanet 91387, MedGen C4707243, MONDO:0019625.

Allele frequency attached by ClinVar (database versions not stated): gnomAD exomes below 0.00001 and 0.00001; TOPMed 0.00001; gnomAD 0.00003 and 0.00004.
gnomAD v4.1: 25 of 1,598,850 alleles (0.0016%); highest among the groups gnomAD compares: African/African-American, 0.0027%; no homozygotes.

Submissions (5):

Labcorp Genetics (formerly Invitae), Labcorp
Classification: Likely benign for Aortic aneurysm, familial thoracic 4. Last evaluated: 2025-08-19. Review status: criteria provided, single submitter. Criteria: Invitae Variant Classification Sherloc (09022015). Collection method: clinical testing. Allele origin: germline.

All of Us Research Program, National Institutes of Health
Classification: Likely benign for Familial thoracic aortic aneurysm and aortic dissection. Last evaluated: 2023-11-30. Review status: criteria provided, single submitter. Criteria: ACMG Guidelines, 2015. Collection method: clinical testing. Allele origin: germline. Inheritance: Autosomal dominant inheritance. Observed: 3 variant alleles, 3 heterozygotes.
Comment: This study involves interpretation of variants in research participants for the purpose of population health screening. Participant phenotype was not available at the time of variant classification. Additional details can be found in publication PMID: 35346344, PMCID: PMC8962531

Ambry Genetics
Classification: Likely benign for Familial thoracic aortic aneurysm and aortic dissection. Last evaluated: 2022-11-02. Review status: criteria provided, single submitter. Criteria: Ambry Variant Classification Scheme 2023. Collection method: clinical testing. Allele origin: germline.

GeneDx
Classification: Likely benign. Last evaluated: 2021-06-13. Review status: criteria provided, single submitter. Criteria: GeneDx Variant Classification Process June 2021. Collection method: clinical testing. Allele origin: germline. Affected: yes.

Color Diagnostics, LLC DBA Color Health
Classification: Likely benign for Familial thoracic aortic aneurysm and aortic dissection. Last evaluated: 2019-11-24. Review status: criteria provided, single submitter. Criteria: ACMG Guidelines, 2015. Collection method: clinical testing. Allele origin: germline.